The following is an entry in ClinVar:

ClinVar aggregate classification (germline): Pathogenic/Likely pathogenic. Review status: criteria provided, multiple submitters, no conflicts (2 of 4 stars). 3 submissions from 3 submitters: Pathogenic (2); Likely pathogenic (1). Last evaluated 2025-10-15.

Conditions:
Rubinstein-Taybi syndrome due to CREBBP mutations (RSTS1). Also called: BROAD THUMB-HALLUX SYNDROME; RUBINSTEIN-TAYBI SYNDROME 1, INCOMPLETE; Rubinstein-Taybi syndrome 1; CREBBP-Related Rubinstein-Taybi Syndrome; RUBINSTEIN SYNDROME; BROAD THUMBS AND GREAT TOES, CHARACTERISTIC FACIES, AND IMPAIRED INTELLECTUAL DEVELOPMENT. Identifiers: Orphanet 353277, Orphanet 783, MedGen C4551859, MONDO:0008393, OMIM 180849.
Rubinstein-Taybi syndrome (RSTS). Identifiers: Orphanet 783, MedGen C0035934, MONDO:0019188.

Submissions (3):

3billion
Classification: Likely pathogenic for Rubinstein-Taybi syndrome due to CREBBP mutations. Last evaluated: 2025-10-15. Review status: criteria provided, single submitter. Criteria: ACMG Guidelines, 2015. Collection method: clinical testing. Allele origin: germline. Affected: yes.
Comment: The variant is not observed in the gnomAD v4.1.0 dataset. Predicted Consequence/Location: Intron variant In silico tools predict the variant to alter splicing and produce an abnormal transcript [SpliceAI: 0.95 (>=0.2, moderate evidence for spliceogenicity)]. The variant has been previously reported as de novo in a similarly affected individual (PMID: 26788536). The variant has been reported to be associated with CREBBP-related disorder (ClinVar ID: VCV001397911 /PMID: 26788536). Therefore, this variant is classified as Likely pathogenic according to the recommendation of ACMG/AMP guideline.

GeneDx
Classification: Pathogenic. Last evaluated: 2025-08-09. Review status: criteria provided, single submitter. Criteria: GeneDx Variant Classification Process June 2021. Collection method: clinical testing. Allele origin: germline. Affected: yes.
Comment: Not observed at significant frequency in large population cohorts (gnomAD); In silico analysis supports a deleterious effect on splicing; In silico analysis suggests that this variant does not alter splicing; This variant is associated with the following publications: (PMID: 26788536, 30587507, Cheerie2025[preprint])

Labcorp Genetics (formerly Invitae), Labcorp
Classification: Pathogenic for Rubinstein-Taybi syndrome. Last evaluated: 2024-02-23. Review status: criteria provided, single submitter. Criteria: Invitae Variant Classification Sherloc (09022015). Collection method: clinical testing. Allele origin: germline.
Comment: This sequence change falls in intron 14 of the CREBBP gene. It does not directly change the encoded amino acid sequence of the CREBBP protein. This variant is not present in population databases (gnomAD no frequency). This variant has been observed in individual(s) with Rubinstein-Taybi syndrome (PMID: 26788536, 30587507; Invitae). In at least one individual the variant was observed to be de novo. ClinVar contains an entry for this variant (Variation ID: 1397911). Algorithms developed to predict the effect of sequence changes on RNA splicing suggest that this variant may disrupt the consensus splice site. For these reasons, this variant has been classified as Pathogenic.

Literature cited by the submitters: PubMed 26788536 (cited by 3billion and Labcorp Genetics (formerly Invitae), Labcorp); PubMed 30587507 (cited by Labcorp Genetics (formerly Invitae), Labcorp).

NM_004380.3(CREBBP):c.2881-13G>A

Gene: CREBBP (CREB binding lysine acetyltransferase; minus strand). Cytogenetic location: 16p13.3.
Variant type: single nucleotide variant.
Coding change: c.2881-13G>A on transcript NM_004380.3 (MANE Select); 13 bases into the intron before coding-DNA position 2881, G replaced by A.
Molecular consequence: intron variant.
Genome position (GRCh38, 1-based): chr16:3,769,366, C>T on the plus strand (G>A on the coding strand, the complement: CREBBP is on the minus strand). VCF-style: chr16-3769366-C-T. GRCh37 (hg19) VCF-style: chr16-3819367-C-T.
Other names: c.2767-13G>A (NM_001079846.1).
Identifiers: ClinVar variation 1397911 (VCV001397911.9), dbSNP rs751913060, ClinGen allele CA2573151993.